The following is an entry in ClinVar:

ClinVar aggregate classification (germline): Likely pathogenic. Review status: criteria provided, multiple submitters, no conflicts (2 of 4 stars). 3 submissions from 3 submitters: Likely pathogenic (3). Last evaluated 2024-11-18.

Conditions:
EYS-related disorder. Also called: EYS-related condition.
Retinitis pigmentosa 25 (RP25). Identifiers: Orphanet 791, MedGen C1864446, MONDO:0011272, OMIM 602772.

Allele frequency attached by ClinVar (database versions not stated): gnomAD exomes below 0.00001.

Submissions (3):

Labcorp Genetics (formerly Invitae), Labcorp
Classification: Likely pathogenic. Last evaluated: 2024-11-18. Review status: criteria provided, single submitter. Criteria: Invitae Variant Classification Sherloc (09022015). Collection method: clinical testing. Allele origin: germline.
Comment: This sequence change affects a donor splice site in intron 15 of the EYS gene. It is expected to disrupt RNA splicing. Variants that disrupt the donor or acceptor splice site typically lead to a loss of protein function (PMID: 16199547), and loss-of-function variants in EYS are known to be pathogenic (PMID: 18836446, 20333770). This variant is not present in population databases (gnomAD no frequency). This variant has not been reported in the literature in individuals affected with EYS-related conditions. ClinVar contains an entry for this variant (Variation ID: 836950). Algorithms developed to predict the effect of sequence changes on RNA splicing suggest that this variant may disrupt the consensus splice site. In summary, the currently available evidence indicates that the variant is pathogenic, but additional data are needed to prove that conclusively. Therefore, this variant has been classified as Likely Pathogenic.

Baylor Genetics
Classification: Likely pathogenic for Retinitis pigmentosa 25. Last evaluated: 2023-10-19. Review status: criteria provided, single submitter. Criteria: ACMG Guidelines, 2015. Collection method: clinical testing. Allele origin: unknown.

Blueprint Genetics
Classification: Likely pathogenic for EYS-related disorders. Last evaluated: 2018-02-20. Review status: criteria provided, single submitter. Criteria: ACMG Guidelines, 2015. Collection method: clinical testing. Allele origin: germline. Affected: yes. Observed: 1 variant allele.

Literature cited by the submitters: PubMed 16199547 (cited by Labcorp Genetics (formerly Invitae), Labcorp); PubMed 18836446 (cited by Labcorp Genetics (formerly Invitae), Labcorp); PubMed 20333770 (cited by Labcorp Genetics (formerly Invitae), Labcorp).

NM_001142800.2(EYS):c.2381+1G>A

Gene: EYS (EGF-like photoreceptor maintenance factor; minus strand). Cytogenetic location: 6q12.
Variant type: single nucleotide variant.
Coding change: c.2381+1G>A on transcript NM_001142800.2 (MANE Select); the canonical splice donor site of the intron after coding-DNA position 2381, G replaced by A.
Molecular consequence: splice donor variant.
Genome position (GRCh38, 1-based): chr6:64,945,792, C>T on the plus strand (G>A on the coding strand, the complement: EYS is on the minus strand). VCF-style: chr6-64945792-C-T. GRCh37 (hg19) VCF-style: chr6-65655685-C-T.
Other names: c.2381+1G>A (NM_001292009.2).
Identifiers: ClinVar variation 836950 (VCV000836950.14), dbSNP rs1769267226, ClinGen allele CA364787868.